The following is an entry in ClinVar:

NM_025215.6(PUS1):c.946C>T (p.Arg316Cys)

Gene: PUS1 (pseudouridine synthase 1; plus strand). Cytogenetic location: 12q24.33.
Variant type: single nucleotide variant.
Coding change: c.946C>T on transcript NM_025215.6 (MANE Select); coding-DNA position 946, C replaced by T.
Protein change: p.Arg316Cys; replaces arginine 316 with cysteine.
Molecular consequence: missense variant.
Genome position (GRCh38, 1-based): chr12:131,941,693, C>T. VCF-style: chr12-131941693-C-T. GRCh37 (hg19) VCF-style: chr12-132426238-C-T.
Other names: c.862C>T, p.Arg288Cys (NM_001002019.3, NM_001002020.3); short protein forms R316C, R288C.
Identifiers: ClinVar variation 880990 (VCV000880990.6), dbSNP rs573837941, ClinGen allele CA6884280.

ClinVar aggregate classification (germline): Uncertain significance. Review status: criteria provided, multiple submitters, no conflicts (2 of 4 stars). 3 submissions from 3 submitters: Uncertain significance (3). Last evaluated 2025-07-15.

Conditions:
Inborn genetic diseases. Identifiers: MedGen C0950123, MeSH D030342.
Myopathy, lactic acidosis, and sideroblastic anemia 1 (MLASA1). Identifiers: Orphanet 2598, MedGen C4551958, MONDO:0024553, OMIM 600462.

Allele frequency attached by ClinVar (database versions not stated): ExAC 0.00001; gnomAD 0.00001; gnomAD exomes 0.00001; TOPMed 0.00001; 1000 Genomes Project 30x 0.00016; 1000 Genomes Project 0.00020.

Submissions (3):

Ambry Genetics
Classification: Uncertain significance for Inborn genetic diseases. Last evaluated: 2025-07-15. Review status: criteria provided, single submitter. Criteria: Ambry Variant Classification Scheme 2023. Collection method: clinical testing. Allele origin: germline.

Labcorp Genetics (formerly Invitae), Labcorp
Classification: Uncertain significance. Last evaluated: 2022-05-12. Review status: criteria provided, single submitter. Criteria: Invitae Variant Classification Sherloc (09022015). Collection method: clinical testing. Allele origin: germline.
Comment: This sequence change replaces arginine, which is basic and polar, with cysteine, which is neutral and slightly polar, at codon 316 of the PUS1 protein (p.Arg316Cys). This variant is present in population databases (rs573837941, gnomAD 0.003%). This variant has not been reported in the literature in individuals affected with PUS1-related conditions. ClinVar contains an entry for this variant (Variation ID: 880990). Algorithms developed to predict the effect of missense changes on protein structure and function output the following: SIFT: "Deleterious"; PolyPhen-2: "Benign"; Align-GVGD: "Class C0". The cysteine amino acid residue is found in multiple mammalian species, which suggests that this missense change does not adversely affect protein function. In summary, the available evidence is currently insufficient to determine the role of this variant in disease. Therefore, it has been classified as a Variant of Uncertain Significance.

Illumina Laboratory Services, Illumina
Classification: Uncertain significance for Myopathy, lactic acidosis, and sideroblastic anemia 1. Last evaluated: 2017-04-27. Review status: criteria provided, single submitter. Criteria: ICSL Variant Classification Criteria 13 December 2019. Collection method: clinical testing. Allele origin: germline.
Comment: This variant was observed as part of a predisposition screen in an ostensibly healthy population. A literature search was performed for the gene, cDNA change, and amino acid change (where applicable). Publications were found based on this search. However, the evidence from the literature, in combination with allele frequency data from public databases where available, was not sufficient to rule this variant in or out of causing disease. Therefore, this variant is classified as a variant of unknown significance.

Literature cited by the submitters: PubMed 23707380 (cited by Illumina Laboratory Services, Illumina).